The following is an entry in ClinVar:

NM_014855.3(AP5Z1):c.*45A>G

Gene: AP5Z1 (adaptor related protein complex 5 subunit zeta 1; plus strand). Cytogenetic location: 7p22.1.
Variant type: single nucleotide variant.
Coding change: c.*45A>G on transcript NM_014855.3 (MANE Select); 45 bases downstream of the stop codon, A replaced by G.
Molecular consequence: 3 prime UTR variant. On other transcripts: non-coding transcript variant (1).
Genome position (GRCh38, 1-based): chr7:4,791,430, A>G. VCF-style: chr7-4791430-A-G. GRCh37 (hg19) VCF-style: chr7-4831061-A-G.
Other names: c.*45A>G (LRG_1247t1, NM_001364858.1).
Identifiers: ClinVar variation 360345 (VCV000360345.8), dbSNP rs12154545, ClinGen allele CA4138490.

ClinVar aggregate classification (germline): Benign. Review status: criteria provided, multiple submitters, no conflicts (2 of 4 stars). 2 submissions from 2 submitters: Benign (2). Last evaluated 2018-07-27.

Conditions:
Hereditary spastic paraplegia 48. Also called: SPASTIC PARAPLEGIA 48, AUTOSOMAL RECESSIVE; Spastic paraplegia 48. Identifiers: Orphanet 306511, MedGen C3150901, MONDO:0013342, OMIM 613647.

Allele frequency attached by ClinVar (database versions not stated): gnomAD exomes 0.04543 and 0.05266; ExAC 0.05367; 1000 Genomes Project 0.06010; 1000 Genomes Project 30x 0.06230; gnomAD 0.06641 and 0.06846; ESP Exome Variant Server 0.06789; TOPMed 0.07135.
gnomAD v4.1: 83,891 of 1,547,446 alleles (5.4%); highest among the groups gnomAD compares: African/African-American, 12%; 2,739 homozygotes.

Submissions (2):

GeneDx
Classification: Benign. Last evaluated: 2018-07-27. Review status: criteria provided, single submitter. Criteria: GeneDx Variant Classification Process June 2021. Collection method: clinical testing. Allele origin: germline. Affected: yes.

Illumina Laboratory Services, Illumina
Classification: Benign for Hereditary spastic paraplegia 48. Last evaluated: 2018-01-13. Review status: criteria provided, single submitter. Criteria: ICSL Variant Classification Criteria 13 December 2019. Collection method: clinical testing. Allele origin: germline.
Comment: This variant was observed in the ICSL laboratory as part of a predisposition screen in an ostensibly healthy population. It had not been previously curated by ICSL or reported in the Human Gene Mutation Database (HGMD: prior to June 1st, 2018), and was therefore a candidate for classification through an automated scoring system. Utilizing variant allele frequency, disease prevalence and penetrance estimates, and inheritance mode, an automated score was calculated to assess if this variant is too frequent to cause the disease. Based on the score and internal cut-off values, a variant classified as benign is not then subjected to further curation. The score for this variant resulted in a classification of benign for this disease.